The following is an entry in ClinVar:

ClinVar aggregate classification (germline): Likely benign. Review status: criteria provided, multiple submitters, no conflicts (2 of 4 stars). 2 submissions from 2 submitters: Likely benign (2). Last evaluated 2025-10-01.

Conditions:
Generalized epilepsy-paroxysmal dyskinesia syndrome (PNKD3). Also called: Generalized epilepsy and paroxysmal dyskinesia; Paroxysmal nonkinesigenic dyskinesia, 3, with or without generalized epilepsy. Identifiers: Orphanet 79137, MedGen C5574945, MONDO:0012276, OMIM 609446.

Allele frequency attached by ClinVar (database versions not stated): ExAC 0.00001; gnomAD exomes 0.00001 and 0.00002; TOPMed 0.00001; gnomAD 0.00002.
gnomAD v4.1: 12 of 1,611,966 alleles (0.00074%); highest among the groups gnomAD compares: African/African-American, 0.0013%; no homozygotes.

Submissions (2):

CeGaT Center for Human Genetics Tuebingen
Classification: Likely benign. Last evaluated: 2025-10-01. Review status: criteria provided, single submitter. Criteria: CeGaT Center For Human Genetics Tuebingen Variant Classification Criteria Version 2. Collection method: clinical testing. Allele origin: germline. Affected: yes. Observed: 2 variant alleles.
Comment: KCNMA1: BP4, BP7

Labcorp Genetics (formerly Invitae), Labcorp
Classification: Likely benign for Generalized epilepsy-paroxysmal dyskinesia syndrome. Last evaluated: 2023-08-27. Review status: criteria provided, single submitter. Criteria: Invitae Variant Classification Sherloc (09022015). Collection method: clinical testing. Allele origin: germline.

NM_001161352.2(KCNMA1):c.1551G>A (p.Pro517=)

Gene: KCNMA1 (potassium calcium-activated channel subfamily M alpha 1; minus strand). Cytogenetic location: 10q22.3.
Variant type: single nucleotide variant.
Coding change: c.1551G>A on transcript NM_001161352.2 (MANE Select); coding-DNA position 1551, G replaced by A.
Protein change: p.Pro517=; no amino-acid change (proline 517 retained).
Molecular consequence: synonymous variant.
Genome position (GRCh38, 1-based): chr10:77,079,523, C>T on the plus strand (G>A on the coding strand, the complement: KCNMA1 is on the minus strand). VCF-style: chr10-77079523-C-T. GRCh37 (hg19) VCF-style: chr10-78839281-C-T.
Other names: c.1551G>A, p.Pro517= (NM_001014797.3, NM_001161353.2, NM_001271519.2 and 7 more transcripts); c.1389G>A, p.Pro463= (NM_001271518.2); c.1011G>A, p.Pro337= (NM_001322838.2).
Identifiers: ClinVar variation 1593583 (VCV001593583.22), dbSNP rs200146500, ClinGen allele CA5568408.